The following is an entry in ClinVar:

NM_015122.3(FCHO1):c.2500G>A (p.Ala834Thr)

Gene: FCHO1 (FCH and mu domain containing endocytic adaptor 1; plus strand). Cytogenetic location: 19p13.11.
Variant type: single nucleotide variant.
Coding change: c.2500G>A on transcript NM_015122.3 (MANE Select); coding-DNA position 2500, G replaced by A.
Protein change: p.Ala834Thr; replaces alanine 834 with threonine.
Molecular consequence: missense variant. On other transcripts: non-coding transcript variant (36).
Genome position (GRCh38, 1-based): chr19:17,787,699, G>A. VCF-style: chr19-17787699-G-A. GRCh37 (hg19) VCF-style: chr19-17898508-G-A.
Other names: c.2500G>A, p.Ala834Thr (NM_001161357.2, NM_001161358.2, NM_001384370.1 and 11 more transcripts); c.2350G>A, p.Ala784Thr (NM_001161359.2, NM_001384384.1, NM_001384385.1 and 1 more transcripts); c.2479G>A, p.Ala827Thr (NM_001384387.1); c.2461G>A, p.Ala821Thr (NM_001384388.1, NM_001384389.1); c.2425G>A, p.Ala809Thr (NM_001384390.1); c.2300G>A, p.Cys767Tyr (NM_001384391.1); c.2383G>A, p.Ala795Thr (NM_001384392.1, NM_001384393.1, NM_001384394.1 and 1 more transcripts); c.2024G>A, p.Cys675Tyr (NM_001384404.1); and 5 more; short protein forms A710T, A742T, A784T, A795T, A821T, A827T, A727T, A834T.
Identifiers: ClinVar variation 1367490 (VCV001367490.6), dbSNP rs2147582520, ClinGen allele CA404758874.
Genomic context (GRCh38, chr19:17,787,699, plus strand): 5'-CGGGGGCTGGTGCCAGGGCGCAGCTGACTGCAGGTCTCCCCAGGTTCTGGCCGCCTCTCT[G>A]CCAGCTGGGAGCCGCTCTCAGGGCCCAGCACACCCAGCCCCGTGGCTGCACAGTTCACCA-3'
Protein context (NP_055937.1, residues 824-844): SEAGGSGRLS[Ala834Thr]SWEPLSGPST

ClinVar aggregate classification (germline): Uncertain significance (1 of 4 stars; one submission).

Submission:

Labcorp Genetics (formerly Invitae), Labcorp
Classification: Uncertain significance. Last evaluated: 2021-09-20. Review status: criteria provided, single submitter. Criteria: Invitae Variant Classification Sherloc (09022015). Collection method: clinical testing. Allele origin: germline.
Comment: This sequence change replaces alanine with threonine at codon 834 of the FCHO1 protein (p.Ala834Thr). The alanine residue is moderately conserved and there is a small physicochemical difference between alanine and threonine. This variant is not present in population databases (ExAC no frequency). This variant has not been reported in the literature in individuals affected with FCHO1-related conditions. Algorithms developed to predict the effect of missense changes on protein structure and function are either unavailable or do not agree on the potential impact of this missense change (SIFT: "Tolerated"; PolyPhen-2: "Possibly Damaging"; Align-GVGD: "Class C0"). In summary, the available evidence is currently insufficient to determine the role of this variant in disease. Therefore, it has been classified as a Variant of Uncertain Significance.